The following is an entry in ClinVar:

ClinVar aggregate classification (germline): Benign/Likely benign. Review status: criteria provided, multiple submitters, no conflicts (2 of 4 stars). 2 submissions from 2 submitters: Benign (1); Likely benign (1). Last evaluated 2024-09-09.

Conditions:
Familial cancer of breast. Also called: hereditary breast carcinoma; BREAST CANCER, FAMILIAL; Hereditary breast cancer. Identifiers: Orphanet 227535, MedGen C0346153, MONDO:0016419, OMIM 114480. Disease mechanism: loss of function.
Fanconi anemia complementation group J. Also called: BRIP1-Related Fanconi Anemia. Identifiers: Orphanet 84, MedGen C1836860, MONDO:0012187, OMIM 609054.

Allele frequency attached by ClinVar (database versions not stated): gnomAD exomes below 0.00001.
gnomAD v4.1: 1 of 1,614,216 alleles (0.000062%); highest among the groups gnomAD compares: Non-Finnish European, 0.000085%; no homozygotes.

Submissions (2):

Myriad Genetics, Inc.
Classification: Benign for Familial cancer of breast. Last evaluated: 2024-09-09. Review status: criteria provided, single submitter. Criteria: Myriad Autosomal Dominant, Autosomal Recessive and X-Linked Classification Criteria (2023). Collection method: clinical testing. Allele origin: unknown.
Comment: This variant is considered benign. This variant is a silent/synonymous amino acid change and it is not expected to impact splicing.

Labcorp Genetics (formerly Invitae), Labcorp
Classification: Likely benign for Familial cancer of breast; Fanconi anemia complementation group J. Last evaluated: 2021-09-25. Review status: criteria provided, single submitter. Criteria: Invitae Variant Classification Sherloc (09022015). Collection method: clinical testing. Allele origin: germline.

NM_032043.3(BRIP1):c.3162A>G (p.Glu1054=)

Gene: BRIP1 (BRCA1 interacting DNA helicase 1; minus strand). Cytogenetic location: 17q23.2.
Variant type: single nucleotide variant.
Coding change: c.3162A>G on transcript NM_032043.3 (MANE Select); coding-DNA position 3162, A replaced by G.
Protein change: p.Glu1054=; no amino-acid change (glutamic acid 1054 retained).
Molecular consequence: synonymous variant.
Genome position (GRCh38, 1-based): chr17:61,683,884, T>C on the plus strand (A>G on the coding strand, the complement: BRIP1 is on the minus strand). VCF-style: chr17-61683884-T-C. GRCh37 (hg19) VCF-style: chr17-59761245-T-C.
Identifiers: ClinVar variation 1657364 (VCV001657364.10), dbSNP rs2144086078, ClinGen allele CA501335336.
Genomic context (GRCh38, chr17:61,683,884, plus strand): 5'-AATAATGGTTTCTGATTGAGGGCATGATCCAAACGATGTGTTTACTGTCAGATTTGAGGA[T>C]TCACATTTATCAGTGAAGGGCAAAACAGTTTTACTTTCCATCTTCTCTGTTTTGAAACGG-3'
Protein context (NP_114432.2, residues 1044-1064): KTVLPFTDKC[Glu1054=]SSNLTVNTSF